The following is an entry in ClinVar:

ClinVar aggregate classification (germline): Uncertain significance. Review status: criteria provided, multiple submitters, no conflicts (2 of 4 stars). 2 submissions from 2 submitters: Uncertain significance (2). Last evaluated 2025-12-31.

Conditions:
Perlman syndrome (PRLMNS). Identifiers: Orphanet 2849, MedGen C0796113, MONDO:0009965, OMIM 267000.

Allele frequency attached by ClinVar (database versions not stated): TOPMed 0.00002; gnomAD 0.00003; ExAC 0.00004; gnomAD exomes 0.00006 and 0.00008.
gnomAD v4.1: 121 of 1,613,814 alleles (0.0075%); highest among the groups gnomAD compares: South Asian, 0.022%; no homozygotes.

Submissions (2):

Labcorp Genetics (formerly Invitae), Labcorp
Classification: Uncertain significance for Perlman syndrome. Last evaluated: 2025-12-31. Review status: criteria provided, single submitter. Criteria: Invitae Variant Classification Sherloc (09022015). Collection method: clinical testing. Allele origin: germline.
Comment: This sequence change replaces valine, which is neutral and non-polar, with methionine, which is neutral and non-polar, at codon 749 of the DIS3L2 protein (p.Val749Met). This variant is present in population databases (rs755574750, gnomAD 0.02%). This variant has not been reported in the literature in individuals affected with DIS3L2-related conditions. ClinVar contains an entry for this variant (Variation ID: 463099). Invitae Evidence Modeling of protein sequence and biophysical properties (such as structural, functional, and spatial information, amino acid conservation, physicochemical variation, residue mobility, and thermodynamic stability) indicates that this missense variant is expected to disrupt DIS3L2 protein function with a positive predictive value of 80%. In summary, the available evidence is currently insufficient to determine the role of this variant in disease. Therefore, it has been classified as a Variant of Uncertain Significance.

Fulgent Genetics
Classification: Uncertain significance for Perlman syndrome. Last evaluated: 2018-10-31. Review status: criteria provided, single submitter. Criteria: ACMG Guidelines, 2015. Collection method: clinical testing. Allele origin: unknown.

NM_152383.5(DIS3L2):c.2245G>A (p.Val749Met)

Gene: DIS3L2 (DIS3 like 3'-5' exoribonuclease 2; plus strand). Cytogenetic location: 2q37.1.
Variant type: single nucleotide variant.
Coding change: c.2245G>A on transcript NM_152383.5 (MANE Select); coding-DNA position 2245, G replaced by A.
Protein change: p.Val749Met; replaces valine 749 with methionine.
Molecular consequence: missense variant. On other transcripts: non-coding transcript variant (2), intron variant (1).
Genome position (GRCh38, 1-based): chr2:232,334,455, G>A. VCF-style: chr2-232334455-G-A. GRCh37 (hg19) VCF-style: chr2-233199165-G-A.
Other names: c.1582-8890G>A (NM_001257281.2); short protein forms V749M.
Identifiers: ClinVar variation 463099 (VCV000463099.8), dbSNP rs755574750, ClinGen allele CA2164466.